The following is an entry in ClinVar:

NM_152703.5(SAMD9L):c.4613A>G (p.Tyr1538Cys)

Gene: SAMD9L (sterile alpha motif domain containing 9 like; minus strand). Cytogenetic location: 7q21.2.
Variant type: single nucleotide variant.
Coding change: c.4613A>G on transcript NM_152703.5 (MANE Select); coding-DNA position 4613, A replaced by G.
Protein change: p.Tyr1538Cys; replaces tyrosine 1538 with cysteine.
Molecular consequence: missense variant.
Genome position (GRCh38, 1-based): chr7:93,131,359, T>C on the plus strand (A>G on the coding strand, the complement: SAMD9L is on the minus strand). VCF-style: chr7-93131359-T-C. GRCh37 (hg19) VCF-style: chr7-92760672-T-C.
Other names: c.4613A>G (NM_152703.2, NM_152703.3); c.4613A>G, p.Tyr1538Cys (NM_001303496.3, NM_001303497.3, NM_001303498.3 and 5 more transcripts); short protein forms Y1538C.
Identifiers: ClinVar variation 1397372 (VCV001397372.8), dbSNP rs767150001, ClinGen allele CA4343273.

ClinVar aggregate classification (germline): Uncertain significance. Review status: criteria provided, multiple submitters, no conflicts (2 of 4 stars). 3 submissions from 3 submitters: Uncertain significance (3). Last evaluated 2025-04-21.

Conditions:
Inborn genetic diseases. Identifiers: MedGen C0950123, MeSH D030342.

Allele frequency attached by ClinVar (database versions not stated): gnomAD exomes below 0.00001; ExAC 0.00001; gnomAD 0.00001; TOPMed 0.00001.
gnomAD v4.1: 1 of 1,613,606 alleles (0.000062%); highest among the groups gnomAD compares: Non-Finnish European, 0.000085%; no homozygotes.

Submissions (3):

Ambry Genetics
Classification: Uncertain significance for Inborn genetic diseases. Last evaluated: 2025-04-21. Review status: criteria provided, single submitter. Criteria: Ambry Variant Classification Scheme 2023. Collection method: clinical testing. Allele origin: germline.
Comment: The p.Y1538C variant (also known as c.4613A>G), located in coding exon 1 of the SAMD9L gene, results from an A to G substitution at nucleotide position 4613. The tyrosine at codon 1538 is replaced by cysteine, an amino acid with highly dissimilar properties. This amino acid position is conserved. In addition, this alteration is predicted to be tolerated by in silico analysis. Based on the available evidence, the clinical significance of this variant remains unclear.

GeneDx
Classification: Uncertain significance. Last evaluated: 2022-08-31. Review status: criteria provided, single submitter. Criteria: GeneDx Variant Classification Process June 2021. Collection method: clinical testing. Allele origin: germline. Affected: yes.
Comment: Not observed at significant frequency in large population cohorts (gnomAD); In silico analysis supports that this missense variant has a deleterious effect on protein structure/function; Has not been previously published as pathogenic or benign to our knowledge

Labcorp Genetics (formerly Invitae), Labcorp
Classification: Uncertain significance. Last evaluated: 2021-10-15. Review status: criteria provided, single submitter. Criteria: Invitae Variant Classification Sherloc (09022015). Collection method: clinical testing. Allele origin: germline.
Comment: In summary, the available evidence is currently insufficient to determine the role of this variant in disease. Therefore, it has been classified as a Variant of Uncertain Significance. Algorithms developed to predict the effect of missense changes on protein structure and function are either unavailable or do not agree on the potential impact of this missense change (SIFT: "Not Available"; PolyPhen-2: "Benign"; Align-GVGD: "Not Available"). This variant has not been reported in the literature in individuals affected with SAMD9L-related conditions. This variant is present in population databases (rs767150001, ExAC 0.002%). This sequence change replaces tyrosine with cysteine at codon 1538 of the SAMD9L protein (p.Tyr1538Cys). The tyrosine residue is highly conserved and there is a large physicochemical difference between tyrosine and cysteine.